The following is an entry in ClinVar:

NM_005618.4(DLL1):c.1362C>T (p.Asn454=)

Gene: DLL1 (delta like canonical Notch ligand 1; minus strand). Cytogenetic location: 6q27.
Variant type: single nucleotide variant.
Coding change: c.1362C>T on transcript NM_005618.4 (MANE Select); coding-DNA position 1362, C replaced by T.
Protein change: p.Asn454=; no amino-acid change (asparagine 454 retained).
Molecular consequence: synonymous variant.
Genome position (GRCh38, 1-based): chr6:170,283,917, G>A on the plus strand (C>T on the coding strand, the complement: DLL1 is on the minus strand). VCF-style: chr6-170283917-G-A. GRCh37 (hg19) VCF-style: chr6-170593005-G-A.
Identifiers: ClinVar variation 2657153 (VCV002657153.27), dbSNP rs746261600, ClinGen allele CA4106843.

ClinVar aggregate classification (germline): Likely benign. Review status: criteria provided, multiple submitters, no conflicts (2 of 4 stars). 2 submissions from 2 submitters: Likely benign (2). Last evaluated 2025-09-26.

Allele frequency attached by ClinVar (database versions not stated): gnomAD 0.00003; TOPMed 0.00004; ExAC 0.00011.

Submissions (2):

Labcorp Genetics (formerly Invitae), Labcorp
Classification: Likely benign. Last evaluated: 2025-09-26. Review status: criteria provided, single submitter. Criteria: Invitae Variant Classification Sherloc (09022015). Collection method: clinical testing. Allele origin: germline.

CeGaT Center for Human Genetics Tuebingen
Classification: Likely benign. Last evaluated: 2023-02-01. Review status: criteria provided, single submitter. Criteria: CeGaT Center For Human Genetics Tuebingen Variant Classification Criteria Version 2. Collection method: clinical testing. Allele origin: germline. Affected: yes. Observed: 3 variant alleles.
Comment: DLL1: BP4, BP7